The following is an entry in ClinVar:

ClinVar aggregate classification (germline): Uncertain significance (1 of 4 stars; one submission).

Allele frequency attached by ClinVar (database versions not stated): ExAC 0.00001; gnomAD 0.00001; gnomAD exomes 0.00001; TOPMed 0.00001.

Submission:

Labcorp Genetics (formerly Invitae), Labcorp
Classification: Uncertain significance. Last evaluated: 2023-09-10. Review status: criteria provided, single submitter. Criteria: Invitae Variant Classification Sherloc (09022015). Collection method: clinical testing. Allele origin: germline.
Comment: In summary, the available evidence is currently insufficient to determine the role of this variant in disease. Therefore, it has been classified as a Variant of Uncertain Significance. An algorithm developed to predict the effect of missense changes on protein structure and function (PolyPhen-2) suggests that this variant is likely to be disruptive. This variant has not been reported in the literature in individuals affected with C1QA-related conditions. This variant is present in population databases (rs777457473, gnomAD 0.002%). This sequence change replaces glutamic acid, which is acidic and polar, with glycine, which is neutral and non-polar, at codon 218 of the C1QA protein (p.Glu218Gly).

NM_015991.4(C1QA):c.653A>G (p.Glu218Gly)

Gene: C1QA (complement C1q A chain; plus strand). Cytogenetic location: 1p36.12.
Variant type: single nucleotide variant.
Coding change: c.653A>G on transcript NM_015991.4 (MANE Select); coding-DNA position 653, A replaced by G.
Protein change: p.Glu218Gly; replaces glutamic acid 218 with glycine.
Molecular consequence: missense variant.
Genome position (GRCh38, 1-based): chr1:22,639,322, A>G. VCF-style: chr1-22639322-A-G. GRCh37 (hg19) VCF-style: chr1-22965815-A-G.
Other names: c.653A>G, p.Glu218Gly (NM_001347465.2, NM_001347466.2); short protein forms E218G.
Identifiers: ClinVar variation 2968567 (VCV002968567.1), dbSNP rs777457473, ClinGen allele CA677811.